The following is an entry in ClinVar:

NM_006031.6(PCNT):c.904G>A (p.Glu302Lys)

Gene: PCNT (pericentrin; plus strand). Cytogenetic location: 21q22.3.
Variant type: single nucleotide variant.
Coding change: c.904G>A on transcript NM_006031.6 (MANE Select); coding-DNA position 904, G replaced by A.
Protein change: p.Glu302Lys; replaces glutamic acid 302 with lysine.
Molecular consequence: missense variant.
Genome position (GRCh38, 1-based): chr21:46,346,926, G>A. VCF-style: chr21-46346926-G-A. GRCh37 (hg19) VCF-style: chr21-47766840-G-A.
Other names: c.550G>A, p.Glu184Lys (NM_001315529.2); short protein forms E302K, E184K.
Identifiers: ClinVar variation 340465 (VCV000340465.17), dbSNP rs186701249, ClinGen allele CA10078440.

ClinVar aggregate classification (germline): Benign/Likely benign. Review status: criteria provided, multiple submitters, no conflicts (2 of 4 stars). 5 submissions from 5 submitters: Benign (2); Likely benign (1). 2 of the submissions do not count toward it. Last evaluated 2025-10-15.

Conditions:
Microcephalic osteodysplastic primordial dwarfism type II (MOPD2). Also called: Microcephalic osteodysplastic primordial dwarfism with tooth abnormalities; MOPD II; OSTEODYSPLASTIC PRIMORDIAL DWARFISM, TYPE II. Identifiers: Orphanet 2637, MedGen C0432246, MONDO:0008872, OMIM 210720.

Allele frequency attached by ClinVar (database versions not stated): ESP Exome Variant Server 0.00015; gnomAD exomes 0.00038 and 0.00151; gnomAD 0.00047 and 0.00058; TOPMed 0.00068; ExAC 0.00182; 1000 Genomes Project 30x 0.00203; 1000 Genomes Project 0.00220.
gnomAD v4.1: 666 of 1,599,618 alleles (0.042%); highest among the groups gnomAD compares: East Asian, 1.2%; 7 homozygotes.

Submissions (5):

Labcorp Genetics (formerly Invitae), Labcorp
Classification: Benign. Last evaluated: 2025-10-15. Review status: criteria provided, single submitter. Criteria: Invitae Variant Classification Sherloc (09022015). Collection method: clinical testing. Allele origin: germline.

Blueprint Genetics
Classification: Likely benign. Last evaluated: 2024-10-07. Review status: criteria provided, single submitter. Criteria: ACMG Guidelines, 2015. Collection method: clinical testing. Allele origin: germline.

Illumina Laboratory Services, Illumina
Classification: Benign for Microcephalic osteodysplastic primordial dwarfism type II. Last evaluated: 2018-01-13. Review status: criteria provided, single submitter. Criteria: ICSL Variant Classification Criteria 13 December 2019. Collection method: clinical testing. Allele origin: germline.
Comment: This variant was observed in the ICSL laboratory as part of a predisposition screen in an ostensibly healthy population. It had not been previously curated by ICSL or reported in the Human Gene Mutation Database (HGMD: prior to June 1st, 2018), and was therefore a candidate for classification through an automated scoring system. Utilizing variant allele frequency, disease prevalence and penetrance estimates, and inheritance mode, an automated score was calculated to assess if this variant is too frequent to cause the disease. Based on the score and internal cut-off values, a variant classified as benign is not then subjected to further curation. The score for this variant resulted in a classification of benign for this disease.

Clinical Genetics DNA and cytogenetics Diagnostics Lab, Erasmus MC, Erasmus Medical Center
Classification: Likely benign. Review status: no assertion criteria provided. Collection method: clinical testing. Allele origin: germline. Affected: yes. Study: VKGL Data-share Consensus. Not counted in ClinVar's aggregate classification.

Laboratory of Diagnostic Genome Analysis, Leiden University Medical Center (LUMC)
Classification: Likely benign. Review status: no assertion criteria provided. Collection method: clinical testing. Allele origin: germline. Affected: yes. Study: VKGL Data-share Consensus. Not counted in ClinVar's aggregate classification.